The following is an entry in ClinVar:

NM_152443.3(RDH12):c.651G>C (p.Arg217Ser)

Genes: GPHN (gephyrin; plus strand), RDH12 (retinol dehydrogenase 12; plus strand). Cytogenetic location: 14q24.1.
Variant type: single nucleotide variant.
Coding change: c.651G>C on transcript NM_152443.3 (MANE Select); coding-DNA position 651, G replaced by C.
Protein change: p.Arg217Ser; replaces arginine 217 with serine.
Molecular consequence: missense variant.
Genome position (GRCh38, 1-based): chr14:67,727,183, G>C. VCF-style: chr14-67727183-G-C. GRCh37 (hg19) VCF-style: chr14-68193900-G-C.
Other names: short protein forms R217S.
Identifiers: ClinVar variation 1714650 (VCV001714650.5), dbSNP rs769384787, ClinGen allele CA7238769.

ClinVar aggregate classification (germline): Uncertain significance (1 of 4 stars; one submission).

Conditions:
Leber congenital amaurosis 13 (LCA13). Identifiers: MedGen C2675186, MONDO:0012990, OMIM 612712.

Allele frequency attached by ClinVar (database versions not stated): gnomAD exomes below 0.00001; ExAC 0.00001.
gnomAD v4.1: 2 of 1,612,360 alleles (0.00012%); highest among the groups gnomAD compares: Admixed American, 0.0033%; no homozygotes.

Submission:

Labcorp Genetics (formerly Invitae), Labcorp
Classification: Uncertain significance for Leber congenital amaurosis 13. Last evaluated: 2022-08-20. Review status: criteria provided, single submitter. Criteria: Invitae Variant Classification Sherloc (09022015). Collection method: clinical testing. Allele origin: germline.
Comment: In summary, the available evidence is currently insufficient to determine the role of this variant in disease. Therefore, it has been classified as a Variant of Uncertain Significance. Algorithms developed to predict the effect of missense changes on protein structure and function (SIFT, PolyPhen-2, Align-GVGD) all suggest that this variant is likely to be tolerated. This variant has not been reported in the literature in individuals affected with RDH12-related conditions. This variant is present in population databases (rs769384787, gnomAD 0.006%). This sequence change replaces arginine, which is basic and polar, with serine, which is neutral and polar, at codon 217 of the RDH12 protein (p.Arg217Ser).